The following is an entry in ClinVar:

ClinVar aggregate classification (germline): Uncertain significance (1 of 4 stars; one submission).

Conditions:
Neuropathy, hereditary sensory and autonomic, type 2A (HSAN2A). Also called: WNK1-Related HSAN2 (HSAN2A); HSAN IIA; ACROOSTEOLYSIS, GIACCAI TYPE; ACROOSTEOLYSIS, NEUROGENIC; MORVAN DISEASE; NEUROPATHY, CONGENITAL SENSORY. Identifiers: Orphanet 970, MedGen C2752089, MONDO:0024309, OMIM 201300.
Generalized epilepsy with febrile seizures plus, type 7 (GEFSP7). Also called: GEFS+, TYPE 7. Identifiers: Orphanet 36387, MedGen C2751778, MONDO:0013470, OMIM 613863.

Allele frequency attached by ClinVar (database versions not stated): TOPMed below 0.00001.

Submission:

Labcorp Genetics (formerly Invitae), Labcorp
Classification: Uncertain significance for Neuropathy, hereditary sensory and autonomic, type 2A; Generalized epilepsy with febrile seizures plus, type 7. Last evaluated: 2022-04-11. Review status: criteria provided, single submitter. Criteria: Invitae Variant Classification Sherloc (09022015). Collection method: clinical testing. Allele origin: germline.
Comment: This sequence change replaces glutamic acid, which is acidic and polar, with lysine, which is basic and polar, at codon 1294 of the SCN9A protein (p.Glu1294Lys). This variant is not present in population databases (gnomAD no frequency). This variant has not been reported in the literature in individuals affected with SCN9A-related conditions. Algorithms developed to predict the effect of missense changes on protein structure and function are either unavailable or do not agree on the potential impact of this missense change (SIFT: "Deleterious"; PolyPhen-2: "Probably Damaging"; Align-GVGD: "Class C0"). In summary, the available evidence is currently insufficient to determine the role of this variant in disease. Therefore, it has been classified as a Variant of Uncertain Significance. Algorithms developed to predict the effect of sequence changes on RNA splicing suggest that this variant may disrupt the consensus splice site.

NM_001365536.1(SCN9A):c.3913G>A (p.Glu1305Lys)

Genes: SCN9A (sodium voltage-gated channel alpha subunit 9; minus strand), SCN1A-AS1 (SCN1A and SCN9A antisense RNA 1; plus strand). Cytogenetic location: 2q24.3.
Variant type: single nucleotide variant.
Coding change: c.3913G>A on transcript NM_001365536.1 (MANE Select); coding-DNA position 3913, G replaced by A.
Protein change: p.Glu1305Lys; replaces glutamic acid 1305 with lysine.
Molecular consequence: missense variant.
Genome position (GRCh38, 1-based): chr2:166,233,351, C>T on the plus strand (G>A on the coding strand, the complement: SCN9A is on the minus strand). VCF-style: chr2-166233351-C-T. GRCh37 (hg19) VCF-style: chr2-167089861-C-T.
Other names: c.3880G>A, p.Glu1294Lys (NM_002977.4); short protein forms E1305K, E1294K.
Identifiers: ClinVar variation 2124560 (VCV002124560.4), dbSNP rs1553480074, ClinGen allele CA349066316.
Genomic context (GRCh38, chr2:166,233,351, plus strand): 5'-TAAACCCCATTAAAAAATAAGAACATTATAAAGTTTAGTATTTTCTTACCCTCATTCCTT[C>T]AAATCTAGATAAGGCTCTTAGAGGTCTTAAAGCTCTCAGTGTCCGAAGGGATTTAATGGG-3'
Protein context (NP_001352465.1, residues 1295-1315): LRPLRALSRF[Glu1305Lys]GMRVVVNALI